The following is an entry in ClinVar:

ClinVar aggregate classification (germline): Uncertain significance. Review status: criteria provided, multiple submitters, no conflicts (2 of 4 stars). 2 submissions from 2 submitters: Uncertain significance (2). Last evaluated 2020-09-13.

Allele frequency attached by ClinVar (database versions not stated): gnomAD 0.00002; TOPMed 0.00003.
gnomAD v4.1: 21 of 1,613,072 alleles (0.0013%); highest among the groups gnomAD compares: Admixed American, 0.012%; no homozygotes.

Submissions (2):

Dubai Health Genomic Medicine Center, Dubai Health
Classification: Uncertain significance. Last evaluated: 2020-09-13. Review status: criteria provided, single submitter. Criteria: ACMG Guidelines, 2015. Collection method: clinical testing. Allele origin: germline. Affected: yes.
Comment: The p.Arg402Trp missense variant in TRAP1 has not been previously identified in affected individuals but was identified in 9/250168 (0.0036% 0 homozygotes) total alleles in the Genome Aggregation Database (gnomAD). Computational prediction tools and conservation analysis suggest an impact to protein function however this information is not predictive enough to confirm pathogenicity. In summary more information is needed to full assess the clinical significance of this variant.

Breakthrough Genomics
Classification: Uncertain significance. Review status: criteria provided, single submitter. Criteria: ACMG Guidelines, 2015. Collection method: not provided. Allele origin: germline. Inheritance: Unknown mechanism. Affected: yes.

NM_016292.3(TRAP1):c.1204C>T (p.Arg402Trp)

Gene: TRAP1 (TNF receptor associated protein 1; minus strand). Cytogenetic location: 16p13.3.
Variant type: single nucleotide variant.
Coding change: c.1204C>T on transcript NM_016292.3 (MANE Select); coding-DNA position 1204, C replaced by T.
Protein change: p.Arg402Trp; replaces arginine 402 with tryptophan.
Molecular consequence: missense variant.
Genome position (GRCh38, 1-based): chr16:3,671,753, G>A on the plus strand (C>T on the coding strand, the complement: TRAP1 is on the minus strand). VCF-style: chr16-3671753-G-A. GRCh37 (hg19) VCF-style: chr16-3721754-G-A.
Other names: c.1045C>T, p.Arg349Trp (NM_001272049.2); short protein forms R349W, R402W.
Identifiers: ClinVar variation 1301738 (VCV001301738.3), dbSNP rs768200676, ClinGen allele CA276995078.